The following is an entry in ClinVar:

NM_153614.4(DNAJB13):c.296T>C (p.Val99Ala)

Gene: DNAJB13 (DnaJ heat shock protein family (Hsp40) member B13; plus strand). Cytogenetic location: 11q13.4.
Variant type: single nucleotide variant.
Coding change: c.296T>C on transcript NM_153614.4 (MANE Select); coding-DNA position 296, T replaced by C.
Protein change: p.Val99Ala; replaces valine 99 with alanine.
Molecular consequence: missense variant.
Genome position (GRCh38, 1-based): chr11:73,959,617, T>C. VCF-style: chr11-73959617-T-C. GRCh37 (hg19) VCF-style: chr11-73670662-T-C.
Other names: c.296T>C (NM_153614.2); c.122T>C, p.Val41Ala (NM_001377263.1); short protein forms V41A, V99A.
Identifiers: ClinVar variation 2419266 (VCV002419266.7), dbSNP rs756043336, ClinGen allele CA224489972.
Genomic context (GRCh38, chr11:73,959,617, plus strand): 5'-AGTTTGGATCCCAGACCCCATGGACAACTGGTTACGTCTTCCATGGCAAACCTGAAAAGG[T>C]GTTCCACGAGTTCTTTGGTGGAAACAACCCCTTCAGTGGTAAGAGGTCTTCCTCCCCCAC-3'
Protein context (NP_705842.2, residues 89-109): GYVFHGKPEK[Val99Ala]FHEFFGGNNP

ClinVar aggregate classification (germline): Uncertain significance. Review status: criteria provided, multiple submitters, no conflicts (2 of 4 stars). 2 submissions from 2 submitters: Uncertain significance (2). Last evaluated 2025-08-30.

gnomAD v4.1: 67 of 1,614,058 alleles (0.0042%); highest among the groups gnomAD compares: Non-Finnish European, 0.0045%; no homozygotes.

Submissions (2):

Ambry Genetics
Classification: Uncertain significance. Last evaluated: 2025-08-30. Review status: criteria provided, single submitter. Criteria: Ambry Variant Classification Scheme 2023. Collection method: clinical testing. Allele origin: germline.

Labcorp Genetics (formerly Invitae), Labcorp
Classification: Uncertain significance. Last evaluated: 2022-08-23. Review status: criteria provided, single submitter. Criteria: Invitae Variant Classification Sherloc (09022015). Collection method: clinical testing. Allele origin: germline.
Comment: This sequence change replaces valine, which is neutral and non-polar, with alanine, which is neutral and non-polar, at codon 99 of the DNAJB13 protein (p.Val99Ala). The frequency data for this variant in the population databases is considered unreliable, as metrics indicate poor data quality at this position in the gnomAD database. This variant has not been reported in the literature in individuals affected with DNAJB13-related conditions. Algorithms developed to predict the effect of missense changes on protein structure and function are either unavailable or do not agree on the potential impact of this missense change (SIFT: "Tolerated"; PolyPhen-2: "Possibly Damaging"; Align-GVGD: "Class C0"). In summary, the available evidence is currently insufficient to determine the role of this variant in disease. Therefore, it has been classified as a Variant of Uncertain Significance.